The following is an entry in ClinVar:

NM_001080517.3(SETD5):c.3908C>A (p.Ala1303Asp)

Gene: SETD5 (SET domain containing 5; plus strand). Cytogenetic location: 3p25.3.
Variant type: single nucleotide variant.
Coding change: c.3908C>A on transcript NM_001080517.3 (MANE Select); coding-DNA position 3908, C replaced by A.
Protein change: p.Ala1303Asp; replaces alanine 1303 with aspartic acid.
Molecular consequence: missense variant.
Genome position (GRCh38, 1-based): chr3:9,475,670, C>A. VCF-style: chr3-9475670-C-A. GRCh37 (hg19) VCF-style: chr3-9517354-C-A.
Other names: c.3614C>A, p.Ala1205Asp (NM_001292043.2, NM_001349451.2); short protein forms A1205D, A1303D.
Identifiers: ClinVar variation 1708898 (VCV001708898.2), dbSNP rs2473983096, ClinGen allele CA351692343.

ClinVar aggregate classification (germline): Uncertain significance (1 of 4 stars; one submission).

Allele frequency attached by ClinVar (database versions not stated): gnomAD exomes below 0.00001.

Submission:

GeneDx
Classification: Uncertain significance. Last evaluated: 2022-04-05. Review status: criteria provided, single submitter. Criteria: GeneDx Variant Classification Process June 2021. Collection method: clinical testing. Allele origin: germline. Affected: yes.
Comment: Not observed at significant frequency in large population cohorts (gnomAD); In silico analysis supports that this missense variant does not alter protein structure/function; Has not been previously published as pathogenic or benign to our knowledge